The following is an entry in ClinVar:

NM_007294.4(BRCA1):c.2482G>C (p.Gly828Arg)

Gene: BRCA1 (BRCA1 DNA repair associated; minus strand). Cytogenetic location: 17q21.31.
Variant type: single nucleotide variant.
Coding change: c.2482G>C on transcript NM_007294.4 (MANE Select); coding-DNA position 2482, G replaced by C.
Protein change: p.Gly828Arg; replaces glycine 828 with arginine.
Molecular consequence: missense variant. On other transcripts: intron variant (137).
Genome position (GRCh38, 1-based): chr17:43,093,049, C>G on the plus strand (G>C on the coding strand, the complement: BRCA1 is on the minus strand). VCF-style: chr17-43093049-C-G. GRCh37 (hg19) VCF-style: chr17-41245066-C-G.
Other names: c.2359G>C, p.Gly787Arg (NM_001407677.1, NM_001407678.1, NM_001407679.1 and 19 more transcripts); c.2356G>C, p.Gly786Arg (NM_001407691.1, NM_001407649.1, NM_001407670.1 and 11 more transcripts); c.2341G>C, p.Gly781Arg (NM_001407692.1, NM_001407694.1, NM_001407695.1 and 29 more transcripts); c.2338G>C, p.Gly780Arg (NM_001407740.1, NM_001407741.1, NM_001407742.1 and 20 more transcripts); c.2278G>C, p.Gly760Arg (NM_001407874.1, NM_001407875.1); c.2272G>C, p.Gly758Arg (NM_001407879.1, NM_001407881.1, NM_001407882.1 and 13 more transcripts); c.2269G>C, p.Gly757Arg (NM_001407915.1, NM_001407916.1, NM_001407917.1 and 9 more transcripts); c.2218G>C, p.Gly740Arg (NM_001407928.1, NM_001407929.1, NM_001407933.1 and 9 more transcripts); and 41 more; short protein forms G828R, G781R, G739R, G532R, G660R, G757R, G786R, G801R.
Identifiers: ClinVar variation 934721 (VCV000934721.14), dbSNP rs80357185, ClinGen allele CA10597039.

ClinVar aggregate classification (germline): Conflicting classifications of pathogenicity. Review status: criteria provided, conflicting classifications (1 of 4 stars). 3 submissions from 3 submitters: Uncertain significance (2); Likely benign (1). Last evaluated 2026-07-07.

Conditions:
Hereditary cancer-predisposing syndrome. Also called: Neoplastic Syndromes, Hereditary; Hereditary Cancer Syndrome; Tumor predisposition; Hereditary neoplastic syndrome. Identifiers: Orphanet 140162, MedGen C0027672, MeSH D009386, MONDO:0015356.
Hereditary breast ovarian cancer syndrome. Also called: Hereditary breast and ovarian cancer syndrome; Hereditary breast and/or ovarian cancer syndrome; Breast and ovarian cancer; BRCA1- and BRCA2-Associated Hereditary Breast and Ovarian Cancer; Hereditary breast and ovarian cancer; Hereditary breast and ovarian cancer syndrome (HBOC). Identifiers: Orphanet 145, MedGen C0677776, MeSH D061325, MONDO:0003582. Disease mechanism: loss of function.

Submissions (3):

Ambry Genetics
Classification: Uncertain significance for Hereditary cancer-predisposing syndrome. Last evaluated: 2026-07-07. Review status: criteria provided, single submitter. Criteria: Ambry Variant Classification Scheme 2023. Collection method: clinical testing. Allele origin: germline.
Comment: The p.G828R variant (also known as c.2482G>C), located in coding exon 9 of the BRCA1 gene, results from a G to C substitution at nucleotide position 2482. The glycine at codon 828 is replaced by arginine, an amino acid with dissimilar properties. This amino acid position is conserved. In addition, the in silico prediction for this alteration is inconclusive. Based on the available evidence, the clinical significance of this variant remains unclear.

Labcorp Genetics (formerly Invitae), Labcorp
Classification: Uncertain significance for Hereditary breast ovarian cancer syndrome. Last evaluated: 2023-09-15. Review status: criteria provided, single submitter. Criteria: Invitae Variant Classification Sherloc (09022015). Collection method: clinical testing. Allele origin: germline.
Comment: This variant is not present in population databases (gnomAD no frequency). This sequence change replaces glycine, which is neutral and non-polar, with arginine, which is basic and polar, at codon 828 of the BRCA1 protein (p.Gly828Arg). This variant has not been reported in the literature in individuals affected with BRCA1-related conditions. In summary, the available evidence is currently insufficient to determine the role of this variant in disease. Therefore, it has been classified as a Variant of Uncertain Significance. Advanced modeling of protein sequence and biophysical properties (such as structural, functional, and spatial information, amino acid conservation, physicochemical variation, residue mobility, and thermodynamic stability) performed at Invitae indicates that this missense variant is not expected to disrupt BRCA1 protein function. ClinVar contains an entry for this variant (Variation ID: 934721).

University of Washington Department of Laboratory Medicine, University of Washington
Classification: Likely benign for Hereditary cancer-predisposing syndrome. Last evaluated: 2023-03-23. Review status: criteria provided, single submitter. Criteria: Dines et al. (Genet Med. 2020). Collection method: curation. Allele origin: germline.
Comment: Missense variant in a coldspot region where missense variants are very unlikely to be pathogenic (PMID:31911673).

BRCA1 coldspot (exon 11 using historical exon numbering). Reclassification based on statistical prior probability